The following is an entry in ClinVar:

NM_004438.5(EPHA4):c.1396C>T (p.Arg466Trp)

Gene: EPHA4 (EPH receptor A4; minus strand). Cytogenetic location: 2q36.1.
Variant type: single nucleotide variant.
Coding change: c.1396C>T on transcript NM_004438.5 (MANE Select); coding-DNA position 1396, C replaced by T.
Protein change: p.Arg466Trp; replaces arginine 466 with tryptophan.
Molecular consequence: missense variant.
Genome position (GRCh38, 1-based): chr2:221,457,913, G>A on the plus strand (C>T on the coding strand, the complement: EPHA4 is on the minus strand). VCF-style: chr2-221457913-G-A. GRCh37 (hg19) VCF-style: chr2-222322633-G-A.
Other names: c.1396C>T (NM_004438.3); c.1396C>T, p.Arg466Trp (NM_001304536.2, NM_001363748.2); c.1243C>T, p.Arg415Trp (NM_001304537.2); short protein forms R415W, R466W.
Identifiers: ClinVar variation 1450024 (VCV001450024.7), dbSNP rs199981171, ClinGen allele CA2135069.

ClinVar aggregate classification (germline): Uncertain significance. Review status: criteria provided, multiple submitters, no conflicts (2 of 4 stars). 2 submissions from 2 submitters: Uncertain significance (2). Last evaluated 2025-08-05.

Allele frequency attached by ClinVar (database versions not stated): TOPMed 0.00005; gnomAD 0.00006; gnomAD exomes 0.00006 and 0.00009; ESP Exome Variant Server 0.00008; ExAC 0.00011.
gnomAD v4.1: 104 of 1,613,746 alleles (0.0064%); highest among the groups gnomAD compares: African/African-American, 0.011%; no homozygotes.

Submissions (2):

Ambry Genetics
Classification: Uncertain significance. Last evaluated: 2025-08-05. Review status: criteria provided, single submitter. Criteria: Ambry Variant Classification Scheme 2023. Collection method: clinical testing. Allele origin: germline.

Labcorp Genetics (formerly Invitae), Labcorp
Classification: Uncertain significance. Last evaluated: 2024-10-26. Review status: criteria provided, single submitter. Criteria: Invitae Variant Classification Sherloc (09022015). Collection method: clinical testing. Allele origin: germline.
Comment: This sequence change replaces arginine, which is basic and polar, with tryptophan, which is neutral and slightly polar, at codon 466 of the EPHA4 protein (p.Arg466Trp). This variant is present in population databases (rs199981171, gnomAD 0.02%). This variant has not been reported in the literature in individuals affected with EPHA4-related conditions. ClinVar contains an entry for this variant (Variation ID: 1450024). Invitae Evidence Modeling of protein sequence and biophysical properties (such as structural, functional, and spatial information, amino acid conservation, physicochemical variation, residue mobility, and thermodynamic stability) indicates that this missense variant is not expected to disrupt EPHA4 protein function with a negative predictive value of 80%. In summary, the available evidence is currently insufficient to determine the role of this variant in disease. Therefore, it has been classified as a Variant of Uncertain Significance.